The following is an entry in ClinVar:

ClinVar aggregate classification (germline): Uncertain significance. Review status: criteria provided, multiple submitters, no conflicts (2 of 4 stars). 2 submissions from 2 submitters: Uncertain significance (2). Last evaluated 2025-03-17.

Allele frequency attached by ClinVar (database versions not stated): gnomAD exomes below 0.00001.
gnomAD v4.1: 2 of 1,613,612 alleles (0.00012%); highest among the groups gnomAD compares: Non-Finnish European, 0.00017%; no homozygotes.

Submissions (2):

Women's Health and Genetics/Laboratory Corporation of America, LabCorp
Classification: Uncertain significance. Last evaluated: 2025-03-17. Review status: criteria provided, single submitter. Criteria: LabCorp Variant Classification Summary - May 2015. Collection method: clinical testing. Allele origin: germline.

Labcorp Genetics (formerly Invitae), Labcorp
Classification: Uncertain significance. Last evaluated: 2022-05-30. Review status: criteria provided, single submitter. Criteria: Invitae Variant Classification Sherloc (09022015). Collection method: clinical testing. Allele origin: germline.
Comment: This sequence change falls in intron 70 of the COL7A1 gene. It does not directly change the encoded amino acid sequence of the COL7A1 protein. It affects a nucleotide within the consensus splice site. This variant is present in population databases (no rsID available, gnomAD 0.0009%). This variant has not been reported in the literature in individuals affected with COL7A1-related conditions. Variants that disrupt the consensus splice site are a relatively common cause of aberrant splicing (PMID: 17576681, 9536098). Algorithms developed to predict the effect of sequence changes on RNA splicing suggest that this variant is not likely to affect RNA splicing. In summary, the available evidence is currently insufficient to determine the role of this variant in disease. Therefore, it has been classified as a Variant of Uncertain Significance.

Literature cited by the submitters: PubMed 17576681 (cited by Labcorp Genetics (formerly Invitae), Labcorp); PubMed 9536098 (cited by Labcorp Genetics (formerly Invitae), Labcorp).

NM_000094.4(COL7A1):c.5820+6C>A

Gene: COL7A1 (collagen type VII alpha 1 chain; minus strand). Cytogenetic location: 3p21.31.
Variant type: single nucleotide variant.
Coding change: c.5820+6C>A on transcript NM_000094.4 (MANE Select); 6 bases into the intron after coding-DNA position 5820, C replaced by A.
Molecular consequence: intron variant.
Genome position (GRCh38, 1-based): chr3:48,576,243, G>T on the plus strand (C>A on the coding strand, the complement: COL7A1 is on the minus strand). VCF-style: chr3-48576243-G-T. GRCh37 (hg19) VCF-style: chr3-48613676-G-T.
Identifiers: ClinVar variation 1970224 (VCV001970224.3), dbSNP rs1481011823, ClinGen allele CA542790744.